The following is an entry in ClinVar:

NM_014714.4(IFT140):c.2945G>A (p.Arg982Gln)

Genes: IFT140 (intraflagellar transport 140; minus strand), LOC126862260 (CDK7 strongly-dependent group 2 enhancer GRCh37_chr16:1574508-1575707; plus strand). Cytogenetic location: 16p13.3.
Variant type: single nucleotide variant.
Coding change: c.2945G>A on transcript NM_014714.4 (MANE Select); coding-DNA position 2945, G replaced by A.
Protein change: p.Arg982Gln; replaces arginine 982 with glutamine.
Molecular consequence: missense variant.
Genome position (GRCh38, 1-based): chr16:1,524,836, C>T on the plus strand (G>A on the coding strand, the complement: IFT140 is on the minus strand). VCF-style: chr16-1524836-C-T. GRCh37 (hg19) VCF-style: chr16-1574837-C-T.
Other names: short protein forms R982Q.
Identifiers: ClinVar variation 1031289 (VCV001031289.11), dbSNP rs766316995, ClinGen allele CA7813411.

ClinVar aggregate classification (germline): Conflicting classifications of pathogenicity. Review status: criteria provided, conflicting classifications (1 of 4 stars). 6 submissions from 6 submitters: Uncertain significance (4); Likely benign (2). Last evaluated 2026-09-21.

Conditions:
IFT140-related disorder. Also called: IFT140-related condition.
Inborn genetic diseases. Identifiers: MedGen C0950123, MeSH D030342.
Retinal dystrophy. Also called: Inherited retinal dystrophy. Identifiers: Orphanet 71862, MedGen C0854723, MeSH D058499, MONDO:0019118, HP:0000556.
Saldino-Mainzer syndrome (SRTD9). Also called: SHORT-RIB THORACIC DYSPLASIA 9 WITHOUT POLYDACTYLY; CONORENAL SYNDROME; short-rib thoracic dysplasia 9 with or without polydactyly; Renal dysplasia, retinal pigmentary dystrophy, cerebellar ataxia and skeletal dysplasia. Identifiers: Orphanet 140969, MedGen C1849437, MONDO:0009964, OMIM 266920.
Retinitis pigmentosa 80 (RP80). Identifiers: MedGen C4540439, MONDO:0054708, OMIM 617781.

Allele frequency attached by ClinVar (database versions not stated): gnomAD 0.00001; TOPMed 0.00002.
gnomAD v4.1: 56 of 1,612,846 alleles (0.0035%); highest among the groups gnomAD compares: Middle Eastern, 0.31%; no homozygotes.

Submissions (6):

PreventionGenetics, part of Exact Sciences
Classification: Uncertain significance for IFT140-related condition. Last evaluated: 2026-09-21. Review status: criteria provided, single submitter. Criteria: ACMG Guidelines, 2015. Collection method: clinical testing. Allele origin: germline.
Comment: The IFT140 c.2945G>A variant is predicted to result in the amino acid substitution p.Arg982Gln. To our knowledge, this variant has not been reported in the literature. This variant is reported in 0.0062% of alleles in individuals of African descent in gnomAD. At this time, the clinical significance of this variant is uncertain due to the absence of conclusive functional and genetic evidence.

Labcorp Genetics (formerly Invitae), Labcorp
Classification: Likely benign for Saldino-Mainzer syndrome. Last evaluated: 2026-01-19. Review status: criteria provided, single submitter. Criteria: Invitae Variant Classification Sherloc (09022015). Collection method: clinical testing. Allele origin: germline.

Ambry Genetics
Classification: Likely benign for Inborn genetic diseases. Last evaluated: 2024-08-11. Review status: criteria provided, single submitter. Criteria: Ambry Variant Classification Scheme 2023. Collection method: clinical testing. Allele origin: germline.

Dept Of Ophthalmology, Nagoya University
Classification: Uncertain significance for Retinal dystrophy. Last evaluated: 2023-10-01. Review status: criteria provided, single submitter. Criteria: Submitter's publication. Collection method: research. Allele origin: germline. Affected: yes.

Fulgent Genetics
Classification: Uncertain significance for Saldino-Mainzer syndrome; Retinitis pigmentosa 80. Last evaluated: 2022-05-14. Review status: criteria provided, single submitter. Criteria: ACMG Guidelines, 2015. Collection method: clinical testing. Allele origin: unknown.

Baylor Genetics
Classification: Uncertain significance for Saldino-Mainzer syndrome. Last evaluated: 2019-12-13. Review status: criteria provided, single submitter. Criteria: ACMG Guidelines, 2015. Collection method: clinical testing. Allele origin: unknown. Affected: yes.
Comment: This variant was determined to be of uncertain significance according to ACMG Guidelines, 2015 [PMID:25741868].